The following is an entry in ClinVar:

NM_006846.4(SPINK5):c.1322G>A (p.Arg441His)

Gene: SPINK5 (serine peptidase inhibitor Kazal type 5; plus strand). Cytogenetic location: 5q32.
Variant type: single nucleotide variant.
Coding change: c.1322G>A on transcript NM_006846.4 (MANE Select); coding-DNA position 1322, G replaced by A.
Protein change: p.Arg441His; replaces arginine 441 with histidine.
Molecular consequence: missense variant.
Genome position (GRCh38, 1-based): chr5:148,101,800, G>A. VCF-style: chr5-148101800-G-A. GRCh37 (hg19) VCF-style: chr5-147481363-G-A.
Other names: c.1322G>A, p.Arg441His (NM_001127698.2, NM_001127699.2); short protein forms R441H.
Identifiers: ClinVar variation 529168 (VCV000529168.22), dbSNP rs34393923, ClinGen allele CA3495561.
Genomic context (GRCh38, chr5:148,101,800, plus strand): 5'-CCTATGTTCAACACTTTCAACTTCCTGCCTCAATTTCACAGGAGTTGTGTAGTGAATACC[G>A]CAAATCCAGGAAAAACGGACGGCTTTTTTGCACCAGAGAGAATGACCCCATCCAGGGCCC-3'
Protein context (NP_006837.2, residues 431-451): ASFEELCSEY[Arg441His]KSRKNGRLFC

ClinVar aggregate classification (germline): Benign. Review status: criteria provided, multiple submitters, no conflicts (2 of 4 stars). 5 submissions from 5 submitters: Benign (3). 2 of the submissions do not count toward it. Last evaluated 2026-01-31.

Conditions:
Ichthyosis linearis circumflexa. Identifiers: MedGen C0265962, MONDO:0043106, HP:0025810.
Netherton syndrome (NETH). Also called: ERYTHRODERMA, ICHTHYOSIFORM, WITH HYPOTRICHOSIS AND HYPER-IgE; COMEL-NETHERTON SYNDROME; NETHERTON DISEASE. Identifiers: Orphanet 634, MedGen C5574950, MONDO:0009735, OMIM 256500.

Allele frequency attached by ClinVar (database versions not stated): 1000 Genomes Project 0.00619; gnomAD 0.00653; 1000 Genomes Project 30x 0.00687; ESP Exome Variant Server 0.00735; TOPMed 0.00812.
gnomAD v4.1: 2,136 of 1,613,620 alleles (0.13%); highest among the groups gnomAD compares: African/African-American, 2.4%; 30 homozygotes.

Submissions (5):

Labcorp Genetics (formerly Invitae), Labcorp
Classification: Benign for Ichthyosis linearis circumflexa. Last evaluated: 2026-01-31. Review status: criteria provided, single submitter. Criteria: Invitae Variant Classification Sherloc (09022015). Collection method: clinical testing. Allele origin: germline.

Illumina Laboratory Services, Illumina
Classification: Benign for Netherton syndrome. Last evaluated: 2017-04-28. Review status: criteria provided, single submitter. Criteria: ICSL Variant Classification Criteria 13 December 2019. Collection method: clinical testing. Allele origin: germline.
Comment: This variant was observed as part of a predisposition screen in an ostensibly healthy population. A literature search was performed for the gene, cDNA change, and amino acid change (where applicable). Publications were found based on this search. The evidence from the literature, in combination with allele frequency data from public databases where available, was sufficient to rule this variant out of causing disease. Therefore, this variant is classified as benign.

GeneDx
Classification: Benign. Last evaluated: 2015-03-03. Review status: criteria provided, single submitter. Criteria: GeneDx Variant Classification Process June 2021. Collection method: clinical testing. Allele origin: germline. Affected: yes.

Diagnostic Laboratory, Department of Genetics, University Medical Center Groningen
Classification: Likely benign. Review status: no assertion criteria provided. Collection method: clinical testing. Allele origin: germline. Affected: yes. Study: VKGL Data-share Consensus. Not counted in ClinVar's aggregate classification.

Laboratory of Diagnostic Genome Analysis, Leiden University Medical Center (LUMC)
Classification: Likely benign. Review status: no assertion criteria provided. Collection method: clinical testing. Allele origin: germline. Affected: yes. Study: VKGL Data-share Consensus. Not counted in ClinVar's aggregate classification.

Literature cited by the submitters: PubMed 25819062 (cited by Illumina Laboratory Services, Illumina).